The following is an entry in ClinVar:

NM_001329943.3(KIAA0586):c.411-1469A>G

Gene: KIAA0586 (KIAA0586; plus strand). Cytogenetic location: 14q23.1.
Variant type: single nucleotide variant.
Coding change: c.411-1469A>G on transcript NM_001329943.3 (MANE Select); 1469 bases into the intron before coding-DNA position 411, A replaced by G.
Molecular consequence: intron variant. On other transcripts: missense variant (2).
Genome position (GRCh38, 1-based): chr14:58,441,237, A>G. VCF-style: chr14-58441237-A-G. GRCh37 (hg19) VCF-style: chr14-58907955-A-G.
Other names: c.463A>G, p.Thr155Ala (NM_001244189.2); c.172A>G, p.Thr58Ala (NM_001244192.2); c.366-1469A>G (NM_001244190.2); c.156-1469A>G (NM_001244191.2, NM_001364701.2, NM_001329945.2 and 1 more transcripts); c.411-1469A>G (NM_001329944.2, NM_001329946.2, NM_001329947.2 and 1 more transcripts); c.-11+1457A>G (NM_001244193.2); short protein forms T155A, T58A.
Identifiers: ClinVar variation 424016 (VCV000424016.2), dbSNP rs1064796747, ClinGen allele CA16619877.

ClinVar aggregate classification (germline): Uncertain significance (1 of 4 stars; one submission).

Submission:

GeneDx
Classification: Uncertain significance. Last evaluated: 2017-03-08. Review status: criteria provided, single submitter. Criteria: GeneDx Variant Classification (06012015). Collection method: clinical testing. Allele origin: germline. Affected: yes.
Comment: The T155A variant in the KIAA0586 gene has not been reported previously as a pathogenic variant, nor as a benign variant, to our knowledge. The T155A variant is not observed in large population cohorts; however, limited data are available (Lek et al., 2016; 1000 Genomes Consortium et al., 2015; Exome Variant Server). The T155A variant is a non-conservative amino acid substitution, which is likely to impact secondary protein structure as these residues differ in polarity, charge, size and/or other properties. However, this substitution occurs at a position that is not conserved, and in silico analysis predicts this variant likely does not alter the protein structure/function. We interpret T155A as a variant of uncertain significance.